The following is an entry in ClinVar:

NM_001291415.2(KDM6A):c.1589A>G (p.Glu530Gly)

Gene: KDM6A (lysine demethylase 6A; plus strand). Cytogenetic location: Xp11.3.
Variant type: single nucleotide variant.
Coding change: c.1589A>G on transcript NM_001291415.2 (MANE Select); coding-DNA position 1589, A replaced by G.
Protein change: p.Glu530Gly; replaces glutamic acid 530 with glycine.
Molecular consequence: missense variant. On other transcripts: intron variant (6).
Genome position (GRCh38, 1-based): chrX:45,062,654, A>G. VCF-style: chrX-45062654-A-G. GRCh37 (hg19) VCF-style: chrX-44921899-A-G.
Other names: c.1433A>G, p.Glu478Gly (NM_021140.4, NM_001419812.1); c.1582-768A>G (NM_001419810.1, NM_001419813.1); c.1426-768A>G (NM_001419814.1, NM_001410742.1); c.1291-768A>G (NM_001419815.1, NM_001291418.2); c.1454A>G, p.Glu485Gly (NM_001291416.2, NM_001419811.1); c.1298A>G, p.Glu433Gly (NM_001291417.2); c.545A>G, p.Glu182Gly (NM_001291421.2); c.1589A>G, p.Glu530Gly (NM_001419809.1); short protein forms E530G, E433G, E478G, E485G, E182G.
Identifiers: ClinVar variation 3656283 (VCV003656283.2).
Genomic context (GRCh38, chrX:45,062,654, plus strand): 5'-TCTTATTTCCTAAATATATCTTTGACTATATTCTCTTTTTGTTCTTCTTCTAGCATTTGG[A>G]ACAGCTCCGCGCAAATAGAAATAATTTAAATCCAGCACAGAAACTGATGCTGGAACAGCT-3'
Protein context (NP_001278344.1, residues 520-540): CLTPQKLQHL[Glu530Gly]QLRANRNNLN

ClinVar aggregate classification (germline): Uncertain significance (1 of 4 stars; one submission).

Conditions:
Kabuki syndrome 2 (KABUK2). Also called: KDM6A-Related Kabuki Syndrome. Identifiers: Orphanet 2322, MedGen C3275495, MONDO:0010465, OMIM 300867.

Submission:

Labcorp Genetics (formerly Invitae), Labcorp
Classification: Uncertain significance for Kabuki syndrome 2. Last evaluated: 2024-06-11. Review status: criteria provided, single submitter. Criteria: Invitae Variant Classification Sherloc (09022015). Collection method: clinical testing. Allele origin: germline.
Comment: This sequence change replaces glutamic acid, which is acidic and polar, with glycine, which is neutral and non-polar, at codon 478 of the KDM6A protein (p.Glu478Gly). This variant is not present in population databases (gnomAD no frequency). This variant has not been reported in the literature in individuals affected with KDM6A-related conditions. Advanced modeling of protein sequence and biophysical properties (such as structural, functional, and spatial information, amino acid conservation, physicochemical variation, residue mobility, and thermodynamic stability) performed at Invitae indicates that this missense variant is not expected to disrupt KDM6A protein function with a negative predictive value of 80%. In summary, the available evidence is currently insufficient to determine the role of this variant in disease. Therefore, it has been classified as a Variant of Uncertain Significance.